The following is an entry in ClinVar:

ClinVar aggregate classification (germline): Uncertain significance (1 of 4 stars; one submission).

gnomAD v4.1: 45 of 1,581,064 alleles (0.0028%); highest among the groups gnomAD compares: South Asian, 0.05%; no homozygotes.

Submission:

GeneDx
Classification: Uncertain significance. Last evaluated: 2023-11-09. Review status: criteria provided, single submitter. Criteria: GeneDx Variant Classification Process June 2021. Collection method: clinical testing. Allele origin: germline. Affected: yes.
Comment: In silico analysis supports that this missense variant has a deleterious effect on protein structure/function; Has not been previously published as pathogenic or benign to our knowledge

NM_001329943.3(KIAA0586):c.2900G>T (p.Ser967Ile)

Gene: KIAA0586 (KIAA0586; plus strand). Cytogenetic location: 14q23.1.
Variant type: single nucleotide variant.
Coding change: c.2900G>T on transcript NM_001329943.3 (MANE Select); coding-DNA position 2900, G replaced by T.
Protein change: p.Ser967Ile; replaces serine 967 with isoleucine.
Molecular consequence: missense variant.
Genome position (GRCh38, 1-based): chr14:58,477,197, G>T. VCF-style: chr14-58477197-G-T. GRCh37 (hg19) VCF-style: chr14-58943915-G-T.
Other names: c.3059G>T, p.Ser1020Ile (NM_001244189.2); c.2855G>T, p.Ser952Ile (NM_001244190.2); c.2645G>T, p.Ser882Ile (NM_001244191.2, NM_001329945.2, NM_001364700.1 and 1 more transcripts); c.2768G>T, p.Ser923Ile (NM_001244192.2); c.2480G>T, p.Ser827Ile (NM_001244193.2); c.2900G>T, p.Ser967Ile (NM_001329944.2, NM_001329946.2, NM_001329947.2); c.2672G>T, p.Ser891Ile (NM_014749.5); short protein forms S1020I, S827I, S882I, S891I, S923I, S952I, S967I.
Identifiers: ClinVar variation 3363715 (VCV003363715.1).